The following is an entry in ClinVar:

NM_003680.4(YARS1):c.937G>A (p.Val313Ile)

Gene: YARS1 (tyrosyl-tRNA synthetase 1; minus strand). Cytogenetic location: 1p35.1.
Variant type: single nucleotide variant.
Coding change: c.937G>A on transcript NM_003680.4 (MANE Select); coding-DNA position 937, G replaced by A.
Protein change: p.Val313Ile; replaces valine 313 with isoleucine.
Molecular consequence: missense variant.
Genome position (GRCh38, 1-based): chr1:32,782,509, C>T on the plus strand (G>A on the coding strand, the complement: YARS1 is on the minus strand). VCF-style: chr1-32782509-C-T. GRCh37 (hg19) VCF-style: chr1-33248110-C-T.
Other names: short protein forms V313I.
Identifiers: ClinVar variation 971339 (VCV000971339.13), dbSNP rs147074773, ClinGen allele CA745042.

ClinVar aggregate classification (germline): Uncertain significance. Review status: criteria provided, multiple submitters, no conflicts (2 of 4 stars). 4 submissions from 4 submitters: Uncertain significance (4). Last evaluated 2025-08-25.

Conditions:
YARS1-related disorder. Also called: YARS1-related condition.
Inborn genetic diseases. Identifiers: MedGen C0950123, MeSH D030342.
Neurologic, endocrine, and pancreatic disease, multisystem, infantile-onset 2 (IMNEPD2). Also called: YARS1 Deficiency. Identifiers: MedGen C5543623, MONDO:0030375, OMIM 619418.
Charcot-Marie-Tooth disease dominant intermediate C (CMTDIC). Also called: CHARCOT-MARIE-TOOTH NEUROPATHY, DOMINANT INTERMEDIATE C. Identifiers: Orphanet 100045, MedGen C1842237, MONDO:0012012, OMIM 608323.

Allele frequency attached by ClinVar (database versions not stated): gnomAD exomes 0.00002; ExAC 0.00003; gnomAD 0.00003; TOPMed 0.00003; 1000 Genomes Project 30x 0.00031; 1000 Genomes Project 0.00040.

Submissions (4):

Ambry Genetics
Classification: Uncertain significance for Inborn genetic diseases. Last evaluated: 2025-08-25. Review status: criteria provided, single submitter. Criteria: Ambry Variant Classification Scheme 2023. Collection method: clinical testing. Allele origin: germline.

Labcorp Genetics (formerly Invitae), Labcorp
Classification: Uncertain significance for Charcot-Marie-Tooth disease dominant intermediate C. Last evaluated: 2025-08-17. Review status: criteria provided, single submitter. Criteria: Invitae Variant Classification Sherloc (09022015). Collection method: clinical testing. Allele origin: germline.
Comment: This sequence change replaces valine, which is neutral and non-polar, with isoleucine, which is neutral and non-polar, at codon 313 of the YARS protein (p.Val313Ile). This variant is present in population databases (rs147074773, gnomAD 0.03%). This variant has not been reported in the literature in individuals affected with YARS-related conditions. ClinVar contains an entry for this variant (Variation ID: 971339). Invitae Evidence Modeling of protein sequence and biophysical properties (such as structural, functional, and spatial information, amino acid conservation, physicochemical variation, residue mobility, and thermodynamic stability) indicates that this missense variant is not expected to disrupt YARS protein function with a negative predictive value of 80%. In summary, the available evidence is currently insufficient to determine the role of this variant in disease. Therefore, it has been classified as a Variant of Uncertain Significance.

PreventionGenetics, part of Exact Sciences
Classification: Uncertain significance for YARS1-related condition. Last evaluated: 2025-08-06. Review status: criteria provided, single submitter. Criteria: ACMG Guidelines, 2015. Collection method: clinical testing. Allele origin: germline.
Comment: The YARS1 c.937G>A variant is predicted to result in the amino acid substitution p.Val313Ile. To our knowledge, this variant has not been reported in the literature. This variant is reported in 0.025% of alleles in individuals of African descent in gnomAD. At this time, the clinical significance of this variant is uncertain due to the absence of conclusive functional and genetic evidence.

3billion
Classification: Uncertain significance for Neurologic, endocrine, and pancreatic disease, multisystem, infantile-onset 2. Last evaluated: 2025-07-23. Review status: criteria provided, single submitter. Criteria: ACMG Guidelines, 2015. Collection method: clinical testing. Allele origin: germline. Affected: yes.
Comment: The variant is observed at an extremely low frequency in the gnomAD v4.1.0 dataset (total allele frequency: 0.002%). Predicted Consequence/Location: Missense variant. Missense changes are a common disease-causing mechanism. Damaging effect on gene or gene product predicted by in silico programs is uncertain [REVEL: 0.23 (damaging >=0.6, benign <0.4), 3Cnet: 0.59 (damaging >0.75, benign <0.1)]. The variant has been reported as of uncertain significance (ClinVar ID: VCV000971339). Therefore, this variant is classified as VUS according to the recommendation of ACMG/AMP guideline.